The following is an entry in ClinVar:

ClinVar aggregate classification (germline): Uncertain significance (1 of 4 stars; one submission).

Conditions:
ALG9-related disorder. Also called: ALG9-related condition.

Submission:

PreventionGenetics, part of Exact Sciences
Classification: Uncertain significance for ALG9-related condition. Last evaluated: 2023-08-24. Review status: criteria provided, single submitter. Criteria: ACMG Guidelines, 2015. Collection method: clinical testing. Allele origin: germline.
Comment: The ALG9 c.1166C>A variant is predicted to result in the amino acid substitution p.Ala389Glu. To our knowledge, this variant has not been reported in the literature. This variant is reported in 0.00088% of alleles in individuals of European (Non-Finnish) descent in gnomAD. At this time, the clinical significance of this variant is uncertain due to the absence of conclusive functional and genetic evidence.

NM_024740.2(ALG9):c.1166C>A (p.Ala389Glu)

Gene: ALG9 (ALG9 alpha-1,2-mannosyltransferase; minus strand). Cytogenetic location: 11q23.1.
Variant type: single nucleotide variant.
Coding change: c.1166C>A on transcript NM_024740.2 (MANE Select); coding-DNA position 1166, C replaced by A.
Protein change: p.Ala389Glu; replaces alanine 389 with glutamic acid.
Molecular consequence: missense variant. On other transcripts: non-coding transcript variant (1).
Genome position (GRCh38, 1-based): chr11:111,840,662, G>T on the plus strand (C>A on the coding strand, the complement: ALG9 is on the minus strand). VCF-style: chr11-111840662-G-T. GRCh37 (hg19) VCF-style: chr11-111711385-G-T.
Other names: c.1166C>A, p.Ala389Glu (NM_001077690.1, NM_001352417.1); c.653C>A, p.Ala218Glu (NM_001077691.2, NM_001077692.2, NM_001352409.1 and 10 more transcripts); c.1043C>A, p.Ala348Glu (NM_001352418.1); c.578C>A, p.Ala193Glu (NM_001352422.2); c.530C>A, p.Ala177Glu (NM_001352423.2); short protein forms A177E, A193E, A218E, A348E, A389E.
Identifiers: ClinVar variation 2630869 (VCV002630869.1), dbSNP rs1555122792, ClinGen allele CA382595506.